The following is an entry in ClinVar:

ClinVar aggregate classification (germline): Uncertain significance (1 of 4 stars; one submission).

Allele frequency attached by ClinVar (database versions not stated): gnomAD exomes 0.00001; ExAC 0.00002.

Submission:

Labcorp Genetics (formerly Invitae), Labcorp
Classification: Uncertain significance. Last evaluated: 2022-03-22. Review status: criteria provided, single submitter. Criteria: Invitae Variant Classification Sherloc (09022015). Collection method: clinical testing. Allele origin: germline.
Comment: This sequence change replaces alanine, which is neutral and non-polar, with threonine, which is neutral and polar, at codon 257 of the SZT2 protein (p.Ala257Thr). This variant is present in population databases (rs771916004, gnomAD 0.002%). This variant has not been reported in the literature in individuals affected with SZT2-related conditions. ClinVar contains an entry for this variant (Variation ID: 1042723). Algorithms developed to predict the effect of missense changes on protein structure and function are either unavailable or do not agree on the potential impact of this missense change (SIFT: "Tolerated"; PolyPhen-2: "Possibly Damaging"; Align-GVGD: "Class C0"). In summary, the available evidence is currently insufficient to determine the role of this variant in disease. Therefore, it has been classified as a Variant of Uncertain Significance.

NM_001365999.1(SZT2):c.769G>A (p.Ala257Thr)

Gene: SZT2 (SZT2 subunit of KICSTOR complex; plus strand). Cytogenetic location: 1p34.2.
Variant type: single nucleotide variant.
Coding change: c.769G>A on transcript NM_001365999.1 (MANE Select); coding-DNA position 769, G replaced by A.
Protein change: p.Ala257Thr; replaces alanine 257 with threonine.
Molecular consequence: missense variant.
Genome position (GRCh38, 1-based): chr1:43,416,098, G>A. VCF-style: chr1-43416098-G-A. GRCh37 (hg19) VCF-style: chr1-43881769-G-A.
Other names: c.769G>A, p.Ala257Thr (NM_015284.4); short protein forms A257T.
Identifiers: ClinVar variation 1042723 (VCV001042723.4), dbSNP rs771916004, ClinGen allele CA808259.